The following is an entry in ClinVar:

ClinVar aggregate classification (germline): Uncertain significance (1 of 4 stars; one submission).

Allele frequency attached by ClinVar (database versions not stated): gnomAD exomes 0.00001.
gnomAD v4.1: 4 of 1,613,778 alleles (0.00025%); highest among the groups gnomAD compares: Admixed American, 0.0067%; no homozygotes.

Submission:

Labcorp Genetics (formerly Invitae), Labcorp
Classification: Uncertain significance. Last evaluated: 2024-03-10. Review status: criteria provided, single submitter. Criteria: Invitae Variant Classification Sherloc (09022015). Collection method: clinical testing. Allele origin: germline.
Comment: This sequence change replaces glycine, which is neutral and non-polar, with tryptophan, which is neutral and slightly polar, at codon 581 of the TBX18 protein (p.Gly581Trp). This variant is present in population databases (no rsID available, gnomAD 0.009%). This variant has not been reported in the literature in individuals affected with TBX18-related conditions. ClinVar contains an entry for this variant (Variation ID: 2145547). An algorithm developed to predict the effect of missense changes on protein structure and function (PolyPhen-2) suggests that this variant is likely to be disruptive. In summary, the available evidence is currently insufficient to determine the role of this variant in disease. Therefore, it has been classified as a Variant of Uncertain Significance.

NM_001080508.3(TBX18):c.1741G>T (p.Gly581Trp)

Gene: TBX18 (T-box transcription factor 18; minus strand). Cytogenetic location: 6q14.3.
Variant type: single nucleotide variant.
Coding change: c.1741G>T on transcript NM_001080508.3 (MANE Select); coding-DNA position 1741, G replaced by T.
Protein change: p.Gly581Trp; replaces glycine 581 with tryptophan.
Molecular consequence: missense variant.
Genome position (GRCh38, 1-based): chr6:84,736,768, C>A on the plus strand (G>T on the coding strand, the complement: TBX18 is on the minus strand). VCF-style: chr6-84736768-C-A. GRCh37 (hg19) VCF-style: chr6-85446486-C-A.
Other names: short protein forms G581W.
Identifiers: ClinVar variation 2145547 (VCV002145547.4), dbSNP rs1234323422, ClinGen allele CA364893322.